The following is an entry in ClinVar:

NM_000027.4(AGA):c.280G>C (p.Gly94Arg)

Gene: AGA (aspartylglucosaminidase; minus strand). Cytogenetic location: 4q34.3.
Variant type: single nucleotide variant.
Coding change: c.280G>C on transcript NM_000027.4 (MANE Select); coding-DNA position 280, G replaced by C.
Protein change: p.Gly94Arg; replaces glycine 94 with arginine.
Molecular consequence: missense variant. On other transcripts: non-coding transcript variant (1).
Genome position (GRCh38, 1-based): chr4:177,440,274, C>G on the plus strand (G>C on the coding strand, the complement: AGA is on the minus strand). VCF-style: chr4-177440274-C-G. GRCh37 (hg19) VCF-style: chr4-178361428-C-G.
Other names: c.280G>C, p.Gly94Arg (NM_001171988.2); short protein forms G94R.
Identifiers: ClinVar variation 2068004 (VCV002068004.2), dbSNP rs758907500, ClinGen allele CA3146981.

ClinVar aggregate classification (germline): Uncertain significance. Review status: criteria provided, single submitter (1 of 4 stars). 2 submissions from 2 submitters: Uncertain significance (1). 1 of the submissions does not count toward it. Last evaluated 2022-03-09.

Conditions:
Aspartylglucosaminuria (AGU). Also called: AGA DEFICIENCY; GLYCOASPARAGINASE; GLYCOSYLASPARAGINASE DEFICIENCY; Aspartylglucos-aminuria; Aspartylglucos-amidase (AGA) deficiency. Identifiers: Orphanet 93, MedGen C0268225, MONDO:0008830, OMIM 208400, HP:0012068.

Allele frequency attached by ClinVar (database versions not stated): ExAC 0.00002; gnomAD exomes 0.00002.

Submissions (2):

Labcorp Genetics (formerly Invitae), Labcorp
Classification: Uncertain significance for Aspartylglucosaminuria. Last evaluated: 2022-03-09. Review status: criteria provided, single submitter. Criteria: Invitae Variant Classification Sherloc (09022015). Collection method: clinical testing. Allele origin: germline.
Comment: This sequence change replaces glycine, which is neutral and non-polar, with arginine, which is basic and polar, at codon 94 of the AGA protein (p.Gly94Arg). This variant is present in population databases (rs758907500, gnomAD 0.004%). This variant has not been reported in the literature in individuals affected with AGA-related conditions. Algorithms developed to predict the effect of missense changes on protein structure and function (SIFT, PolyPhen-2, Align-GVGD) all suggest that this variant is likely to be disruptive. In summary, the available evidence is currently insufficient to determine the role of this variant in disease. Therefore, it has been classified as a Variant of Uncertain Significance.

Molecular Genetics Laboratory, BC Children's and BC Women's Hospitals
Classification: Uncertain significance for Aspartylglucosaminuria. Last evaluated: 2026-03-27. Review status: no assertion criteria provided. Criteria: ACMG Guidelines, 2015. Collection method: clinical testing. Allele origin: maternal. Affected: yes. Not counted in ClinVar's aggregate classification.